The following is an entry in ClinVar:

NM_001145809.2(MYH14):c.587G>T (p.Cys196Phe)

Gene: MYH14 (myosin heavy chain 14; plus strand). Cytogenetic location: 19q13.33.
Variant type: single nucleotide variant.
Coding change: c.587G>T on transcript NM_001145809.2 (MANE Select); coding-DNA position 587, G replaced by T.
Protein change: p.Cys196Phe; replaces cysteine 196 with phenylalanine.
Molecular consequence: missense variant.
Genome position (GRCh38, 1-based): chr19:50,223,107, G>T. VCF-style: chr19-50223107-G-T. GRCh37 (hg19) VCF-style: chr19-50726364-G-T.
Other names: c.587G>T, p.Cys196Phe (NM_001077186.2, NM_024729.4); short protein forms C196F.
Identifiers: ClinVar variation 3250384 (VCV003250384.1), dbSNP rs2514302884.
Genomic context (GRCh38, chr19:50,223,107, plus strand): 5'-CTCAGATGACATATTCCCCCACTCTGTCCCCTACAGATCGTGAGGACCAGTCCATTCTCT[G>T]CACGTGAGTAATCTGGAAGGACTTCCTGGAGGAGGAGAGGTCTGGGTGGGGCGTGGCTGT-3'
Protein context (NP_001139281.1, residues 186-206): LQDREDQSIL[Cys196Phe]TGESGAGKTE

ClinVar aggregate classification (germline): Likely pathogenic (1 of 4 stars; one submission).

Conditions:
Autosomal dominant nonsyndromic hearing loss 4A. Also called: Deafness, autosomal dominant 4A. Identifiers: Orphanet 90635, MedGen C1833503, MONDO:0010915, OMIM 600652.

Allele frequency attached by ClinVar (database versions not stated): gnomAD exomes below 0.00001.
gnomAD v4.1: 2 of 1,613,780 alleles (0.00012%); highest among the groups gnomAD compares: Non-Finnish European, 0.000085%; no homozygotes.

Submission:

Laboratory of Prof. Karen Avraham, Tel Aviv University
Classification: Likely pathogenic for Autosomal dominant nonsyndromic hearing loss 4A. Last evaluated: 2024-05-30. Review status: criteria provided, single submitter. Criteria: ACMG Guidelines, 2015. Collection method: research. Allele origin: germline. Affected: yes. Observed: 2 variant alleles.
Comment: A very rare variant predicted to cause damage by most prediction programs.

DFNA4A; high-tone normal-profound HL